The following is an entry in ClinVar:

ClinVar aggregate classification (germline): Uncertain significance (1 of 4 stars; one submission).

Conditions:
Hereditary cancer-predisposing syndrome. Also called: Neoplastic Syndromes, Hereditary; Tumor predisposition; Hereditary neoplastic syndrome; Hereditary Cancer Syndrome. Identifiers: Orphanet 140162, MedGen C0027672, MeSH D009386, MONDO:0015356.

Submission:

Ambry Genetics
Classification: Uncertain significance for Hereditary cancer-predisposing syndrome. Last evaluated: 2023-02-15. Review status: criteria provided, single submitter. Criteria: Ambry Variant Classification Scheme 2023. Collection method: clinical testing. Allele origin: germline.
Comment: The p.R1206G variant (also known as c.3616C>G), located in coding exon 22 of the PTCH1 gene, results from a C to G substitution at nucleotide position 3616. The arginine at codon 1206 is replaced by glycine, an amino acid with dissimilar properties. This amino acid position is conserved. In addition, the in silico prediction for this alteration is inconclusive. Since supporting evidence is limited at this time, the clinical significance of this alteration remains unclear.

NM_000264.5(PTCH1):c.3616C>G (p.Arg1206Gly)

Gene: PTCH1 (patched 1; minus strand). Cytogenetic location: 9q22.32.
Variant type: single nucleotide variant.
Coding change: c.3616C>G on transcript NM_000264.5 (MANE Select); coding-DNA position 3616, C replaced by G.
Protein change: p.Arg1206Gly; replaces arginine 1206 with glycine.
Molecular consequence: missense variant. On other transcripts: non-coding transcript variant (1).
Genome position (GRCh38, 1-based): chr9:95,449,257, G>C on the plus strand (C>G on the coding strand, the complement: PTCH1 is on the minus strand). VCF-style: chr9-95449257-G-C. GRCh37 (hg19) VCF-style: chr9-98211539-G-C.
Other names: c.3418C>G, p.Arg1140Gly (NM_001083602.3); c.3613C>G, p.Arg1205Gly (NM_001083603.3); c.3163C>G, p.Arg1055Gly (NM_001083604.3, NM_001083605.3, NM_001083606.3 and 1 more transcripts); c.3460C>G, p.Arg1154Gly (NM_001354918.2); short protein forms R1055G, R1154G, R1206G, R1205G, R1140G.
Identifiers: ClinVar variation 2449681 (VCV002449681.2), dbSNP rs772537644, ClinGen allele CA374111289.